The following is an entry in ClinVar:

NM_000256.3(MYBPC3):c.2512G>A (p.Glu838Lys)

Gene: MYBPC3 (myosin binding protein C3; minus strand). Cytogenetic location: 11p11.2.
Variant type: single nucleotide variant.
Coding change: c.2512G>A on transcript NM_000256.3 (MANE Select); coding-DNA position 2512, G replaced by A.
Protein change: p.Glu838Lys; replaces glutamic acid 838 with lysine.
Molecular consequence: missense variant.
Genome position (GRCh38, 1-based): chr11:47,337,481, C>T on the plus strand (G>A on the coding strand, the complement: MYBPC3 is on the minus strand). VCF-style: chr11-47337481-C-T. GRCh37 (hg19) VCF-style: chr11-47359032-C-T.
Other names: short protein forms E838K.
Identifiers: ClinVar variation 42630 (VCV000042630.7), dbSNP rs397515969, ClinGen allele CA012421.

ClinVar aggregate classification (germline): Uncertain significance. Review status: criteria provided, multiple submitters, no conflicts (2 of 4 stars). 4 submissions from 4 submitters: Uncertain significance (4). Last evaluated 2026-01-13.

Conditions:
Hypertrophic cardiomyopathy. Also called: HYPERTROPHIC MYOCARDIOPATHY. Identifiers: Orphanet 217569, MedGen C0007194, MeSH D002312, MONDO:0005045, HP:0001639.

gnomAD v4.1: 3 of 1,613,886 alleles (0.00019%); highest among the groups gnomAD compares: Non-Finnish European, 0.00017%; no homozygotes.

Submissions (4):

Labcorp Genetics (formerly Invitae), Labcorp
Classification: Uncertain significance for Hypertrophic cardiomyopathy. Last evaluated: 2026-01-13. Review status: criteria provided, single submitter. Criteria: Invitae Variant Classification Sherloc (09022015). Collection method: clinical testing. Allele origin: germline.
Comment: This sequence change replaces glutamic acid, which is acidic and polar, with lysine, which is basic and polar, at codon 838 of the MYBPC3 protein (p.Glu838Lys). This variant is not present in population databases (gnomAD no frequency). This variant has not been reported in the literature in individuals affected with MYBPC3-related conditions. ClinVar contains an entry for this variant (Variation ID: 42630). An algorithm developed to predict the effect of missense changes on protein structure and function (PolyPhen-2) suggests that this variant is likely to be disruptive. In summary, the available evidence is currently insufficient to determine the role of this variant in disease. Therefore, it has been classified as a Variant of Uncertain Significance.

GeneDx
Classification: Uncertain significance. Last evaluated: 2024-07-03. Review status: criteria provided, single submitter. Criteria: GeneDx Variant Classification Process June 2021. Collection method: clinical testing. Allele origin: germline. Affected: yes.
Comment: Has not been previously published as pathogenic or benign to our knowledge; Not observed at significant frequency in large population cohorts (gnomAD); In silico analysis supports that this missense variant has a deleterious effect on protein structure/function

Blueprint Genetics
Classification: Uncertain significance. Last evaluated: 2022-03-17. Review status: criteria provided, single submitter. Criteria: ACMG Guidelines, 2015. Collection method: clinical testing. Allele origin: germline.

Laboratory for Molecular Medicine, Mass General Brigham Personalized Medicine
Classification: Uncertain significance. Last evaluated: 2012-11-20. Review status: criteria provided, single submitter. Criteria: LMM Criteria. Collection method: clinical testing. Allele origin: germline. Observed: 1 variant allele.
Comment: The Glu838Lys variant in MYBPC3 has not been reported in the literature nor prev iously identified by our laboratory. This variant has not been identified in lar ge and broad European American and African American populations by the NHLBI Exo me Sequencing Project, though it remains pos sible that this variant is common in other populations. Computational analyses ( conservation, AlignGVGD, PolyPhen2, and SIFT) suggest that this variant may impa ct the protein, though this information is not predictive enough to determine pa thogenicity. In summary, additional information is needed to fully assess the cl inical significance of the Glu838Lys variant.